The following is an entry in ClinVar:

ClinVar aggregate classification (germline): Uncertain significance (1 of 4 stars; one submission).

Submission:

Labcorp Genetics (formerly Invitae), Labcorp
Classification: Uncertain significance. Last evaluated: 2024-03-09. Review status: criteria provided, single submitter. Criteria: Invitae Variant Classification Sherloc (09022015). Collection method: clinical testing. Allele origin: germline.
Comment: This sequence change replaces serine, which is neutral and polar, with asparagine, which is neutral and polar, at codon 1132 of the HR protein (p.Ser1132Asn). This variant is not present in population databases (gnomAD no frequency). This variant has not been reported in the literature in individuals affected with HR-related conditions. Algorithms developed to predict the effect of missense changes on protein structure and function output the following: SIFT: "Not Available"; PolyPhen-2: "Benign"; Align-GVGD: "Not Available". The asparagine amino acid residue is found in multiple mammalian species, which suggests that this missense change does not adversely affect protein function. In summary, the available evidence is currently insufficient to determine the role of this variant in disease. Therefore, it has been classified as a Variant of Uncertain Significance.

NM_005144.5(HR):c.3395G>A (p.Ser1132Asn)

Gene: HR (HR lysine demethylase and nuclear receptor corepressor; minus strand). Cytogenetic location: 8p21.3.
Variant type: single nucleotide variant.
Coding change: c.3395G>A on transcript NM_005144.5 (MANE Select); coding-DNA position 3395, G replaced by A.
Protein change: p.Ser1132Asn; replaces serine 1132 with asparagine.
Molecular consequence: missense variant.
Genome position (GRCh38, 1-based): chr8:22,116,412, C>T on the plus strand (G>A on the coding strand, the complement: HR is on the minus strand). VCF-style: chr8-22116412-C-T. GRCh37 (hg19) VCF-style: chr8-21973925-C-T.
Other names: c.3230G>A, p.Ser1077Asn (NM_018411.4); short protein forms S1077N, S1132N.
Identifiers: ClinVar variation 4696482 (VCV004696482.1).